The following is an entry in ClinVar:

ClinVar aggregate classification (germline): Uncertain significance (1 of 4 stars; one submission).

Conditions:
Familial adenomatous polyposis 1 (FAP1). Also called: FAMILIAL ADENOMATOUS POLYPOSIS 1, ATTENUATED; POLYPOSIS, ADENOMATOUS INTESTINAL. Identifiers: MedGen C2713442, MONDO:0021056, OMIM 175100. Disease mechanism: loss of function.

Submission:

Labcorp Genetics (formerly Invitae), Labcorp
Classification: Uncertain significance for Familial adenomatous polyposis 1. Last evaluated: 2024-03-14. Review status: criteria provided, single submitter. Criteria: Invitae Variant Classification Sherloc (09022015). Collection method: clinical testing. Allele origin: germline.
Comment: This variant occurs in a non-coding region of the APC gene. It does not change the encoded amino acid sequence of the APC protein. This variant is not present in population databases (gnomAD no frequency). This variant has not been reported in the literature in individuals affected with APC-related conditions. Experimental studies and prediction algorithms are not available or were not evaluated, and the functional significance of this variant is currently unknown. In summary, the available evidence is currently insufficient to determine the role of this variant in disease. Therefore, it has been classified as a Variant of Uncertain Significance.

NC_000005.10:g.112707335del

Gene: APC (APC regulator of Wnt signaling pathway; plus strand). Cytogenetic location: 5q22.2.
Variant type: Deletion.
Genome position: GRCh38 VCF-style: chr5-112707333-GC-G. GRCh37 (hg19) VCF-style: chr5-112043030-GC-G.
Identifiers: ClinVar variation 2902757 (VCV002902757.3), dbSNP rs2531730135, ClinGen allele CA2739274963.
Genomic context (GRCh38, chr5:112,707,333, plus strand): 5'-ATAATGGACTAGTGTGTGCAGAAGGATCTATTAACTGGGCTGCAGCACAATTCAGAGAAG[GC>G]CAGTAAGTGCTGCAACTGAGACTCGGCTGCCTAGGCAGCAATGGCTCACGGGACAGAACA-3'